The following is an entry in ClinVar:

ClinVar aggregate classification (germline): Uncertain significance (1 of 4 stars; one submission).

Conditions:
Marfan syndrome (MFS). Also called: MARFAN SYNDROME, TYPE I; Marfan syndrome type 1; Marfan's syndrome; Marfan syndrome, classic; FBN1-Related Marfan Syndrome. Identifiers: Orphanet 284963, Orphanet 558, MedGen C0024796, MONDO:0007947, OMIM 154700.

Submission:

All of Us Research Program, National Institutes of Health
Classification: Uncertain significance for Marfan syndrome. Last evaluated: 2024-02-05. Review status: criteria provided, single submitter. Criteria: ACMG Guidelines, 2015. Collection method: clinical testing. Allele origin: germline. Inheritance: Autosomal dominant inheritance. Observed: 1 variant allele, 1 heterozygote.
Comment: This missense variant replaces tyrosine with histidine at codon 63 of the FBN1 protein. Computational prediction is inconclusive regarding the impact of this variant on protein structure and function (internally defined REVEL score threshold 0.5 < inconclusive < 0.7, PMID: 27666373). To our knowledge, functional studies have not been reported for this variant. This variant has not been reported in individuals affected with FBN1-related disorders in the literature. This variant has not been identified in the general population by the Genome Aggregation Database (gnomAD). The available evidence is insufficient to determine the role of this variant in disease conclusively. Therefore, this variant is classified as a Variant of Uncertain Significance.

This study involves interpretation of variants in research participants for the purpose of population health screening. Participant phenotype was not available at the time of variant classification. Additional details can be found in publication PMID: 35346344, PMCID: PMC8962531

NM_000138.5(FBN1):c.187T>C (p.Tyr63His)

Gene: FBN1 (fibrillin 1; minus strand). Cytogenetic location: 15q21.1.
Variant type: single nucleotide variant.
Coding change: c.187T>C on transcript NM_000138.5 (MANE Select); coding-DNA position 187, T replaced by C.
Protein change: p.Tyr63His; replaces tyrosine 63 with histidine.
Molecular consequence: missense variant.
Genome position (GRCh38, 1-based): chr15:48,613,070, A>G on the plus strand (T>C on the coding strand, the complement: FBN1 is on the minus strand). VCF-style: chr15-48613070-A-G. GRCh37 (hg19) VCF-style: chr15-48905267-A-G.
Other names: c.187T>C, p.Tyr63His (NM_001406716.1, NM_001406717.1); short protein forms Y63H.
Identifiers: ClinVar variation 3075496 (VCV003075496.1), dbSNP rs867020123, ClinGen allele CA270060849.